The following is an entry in ClinVar:

NM_000047.3(ARSL):c.349G>A (p.Gly117Arg)

Gene: ARSL (arylsulfatase L; minus strand). Cytogenetic location: Xp22.33.
Variant type: single nucleotide variant.
Coding change: c.349G>A on transcript NM_000047.3 (MANE Select); coding-DNA position 349, G replaced by A.
Protein change: p.Gly117Arg; replaces glycine 117 with arginine.
Molecular consequence: missense variant.
Genome position (GRCh38, 1-based): chrX:2,953,224, C>T on the plus strand (G>A on the coding strand, the complement: ARSL is on the minus strand). VCF-style: chrX-2953224-C-T. GRCh37 (hg19) VCF-style: chrX-2871265-C-T.
Other names: c.424G>A, p.Gly142Arg (NM_001282628.2, NM_001369080.1); c.187G>A, p.Gly63Arg (NM_001282631.2); c.376G>A, p.Gly126Arg (NM_001369079.1); short protein forms G117R, G126R, G63R, G142R.
Identifiers: ClinVar variation 11523 (VCV000011523.5), dbSNP rs122460152, ClinGen allele CA255920.

ClinVar aggregate classification (germline): Pathogenic/Likely pathogenic. Review status: criteria provided, multiple submitters, no conflicts (2 of 4 stars). 3 submissions from 3 submitters: Pathogenic (1); Likely pathogenic (1). 1 of the submissions does not count toward it. Last evaluated 2023-05-23.

Conditions:
X-linked chondrodysplasia punctata 1 (CDPX1). Also called: CHONDRODYSPLASIA PUNCTATA, BRACHYTELEPHALANGIC; Chondrodysplasia punctata, X-linked recessive. Identifiers: Orphanet 79345, MedGen C3669395, MONDO:0010555, OMIM 302950.

Submissions (3):

Institute of Human Genetics Munich, TUM University Hospital
Classification: Likely pathogenic for X-linked chondrodysplasia punctata 1. Last evaluated: 2023-05-23. Review status: criteria provided, single submitter. Criteria: Classification criteria August 2017. Collection method: clinical testing. Allele origin: germline. Inheritance: X-linked inheritance. Affected: yes. Observed: 1 variant allele.

GeneDx
Classification: Pathogenic. Last evaluated: 2021-11-01. Review status: criteria provided, single submitter. Criteria: GeneDx Variant Classification Process June 2021. Collection method: clinical testing. Allele origin: germline. Affected: yes.
Comment: Published functional studies demonstrate a significant reduction in ARSE activity compared to wild-type (Matos-Miranda et al., 2013); Not observed at significant frequency in large population cohorts (Lek et al., 2016); In silico analysis supports that this missense variant has a deleterious effect on protein structure/function; This variant is associated with the following publications: (PMID: 26526591, 7720070, 23470839)

OMIM
Classification: Pathogenic for CHONDRODYSPLASIA PUNCTATA 1, X-LINKED RECESSIVE. Last evaluated: 1995-04-07. Review status: no assertion criteria provided. Collection method: literature only. Allele origin: germline. Not counted in ClinVar's aggregate classification.

Literature cited by the submitters: PubMed 7720070 (cited by OMIM).